The following is an entry in ClinVar:

ClinVar aggregate classification (germline): Conflicting classifications of pathogenicity. Review status: criteria provided, conflicting classifications (1 of 4 stars). 2 submissions from 2 submitters: Uncertain significance (1); Likely benign (1). Last evaluated 2026-01-19.

Conditions:
Cardiovascular phenotype. Identifiers: MedGen CN230736.

Submissions (2):

Women's Health and Genetics/Laboratory Corporation of America, LabCorp
Classification: Likely benign. Last evaluated: 2026-01-19. Review status: criteria provided, single submitter. Criteria: LabCorp Variant Classification Summary - May 2015. Collection method: clinical testing. Allele origin: germline.
Comment: Variant summary: TNXB c.6951C>T results in a synonymous change. Consensus agreement among computation tools predict no significant impact on normal splicing. However, these predictions have yet to be confirmed by functional studies. The variant was absent in 247912 control chromosomes. The available data on variant occurrences in the general population are insufficient to allow any conclusion about variant significance. To our knowledge, no occurrence of c.6951C>T in individuals affected with TNXB-related conditions and no experimental evidence demonstrating its impact on protein function have been reported. ClinVar contains an entry for this variant (Variation ID: 4188714). Based on the evidence outlined above, the variant was classified as likely benign.

Ambry Genetics
Classification: Uncertain significance for Cardiovascular phenotype. Last evaluated: 2025-08-28. Review status: criteria provided, single submitter. Criteria: Ambry Variant Classification Scheme 2023. Collection method: clinical testing. Allele origin: germline.
Comment: The c.6951C>T variant (also known as p.D2317D), located in coding exon 19 of the TNXB gene, results from a C to T substitution at nucleotide position 6951. This nucleotide substitution does not change the amino acid at codon 2317. This nucleotide position is well conserved in available vertebrate species. In silico splice site analysis for this alteration is inconclusive. Based on the available evidence, the clinical significance of this variant remains unclear.

NM_001365276.2(TNXB):c.6951C>T (p.Asp2317=)

Gene: TNXB (tenascin XB; minus strand). Cytogenetic location: 6p21.33.
Variant type: single nucleotide variant.
Coding change: c.6951C>T on transcript NM_001365276.2 (MANE Select); coding-DNA position 6951, C replaced by T.
Protein change: p.Asp2317=; no amino-acid change (aspartic acid 2317 retained).
Molecular consequence: synonymous variant.
Genome position (GRCh38, 1-based): chr6:32,062,374, G>A on the plus strand (C>T on the coding strand, the complement: TNXB is on the minus strand). VCF-style: chr6-32062374-G-A. GRCh37 (hg19) VCF-style: chr6-32030151-G-A.
Other names: c.7692C>T, p.Asp2564= (NM_001428335.1); c.6951C>T, p.Asp2317= (NM_019105.8).
Identifiers: ClinVar variation 4188714 (VCV004188714.2).
Genomic context (GRCh38, chr6:32,062,374, plus strand): 5'-GTACTGGACCAGGAAGTGGTCAAACTGTCCCTCGGGAACCGTCCAGGACAGGCTGAGGGA[G>A]TCAGGGGTCGCATCTGTCACGGTCAGCTCCTCCAGGCGAGGCTTGATGGGGGGTTCAGGG-3'
Protein context (NP_001352205.1, residues 2307-2327): EELTVTDATP[Asp2317=]SLSLSWTVPE